The following is an entry in ClinVar:

NM_022132.5(MCCC2):c.282-1G>C

Gene: MCCC2 (methylcrotonyl-CoA carboxylase subunit 2; plus strand). Cytogenetic location: 5q13.2.
Variant type: single nucleotide variant.
Coding change: c.282-1G>C on transcript NM_022132.5 (MANE Select); the canonical splice acceptor site of the intron before coding-DNA position 282, G replaced by C.
Molecular consequence: splice acceptor variant.
Genome position (GRCh38, 1-based): chr5:71,599,658, G>C. VCF-style: chr5-71599658-G-C. GRCh37 (hg19) VCF-style: chr5-70895485-G-C.
Other names: c.282-1G>C (NM_001363147.1).
Identifiers: ClinVar variation 2734731 (VCV002734731.3), dbSNP rs1745344357, ClinGen allele CA360007882.

ClinVar aggregate classification (germline): Pathogenic (1 of 4 stars; one submission).

Conditions:
3-methylcrotonyl-CoA carboxylase 2 deficiency. Also called: 3 alpha methylcrotonyl-CoA carboxylase 2 deficiency; 3 alpha methylcrotonylglycinuria 2; MCC 2 deficiency; Methylcrotonylglycinuria type 2; METHYLCROTONYLGLYCINURIA, TYPE II. Identifiers: Orphanet 6, MedGen C1859499, MONDO:0008862, OMIM 210210.

Allele frequency attached by ClinVar (database versions not stated): TOPMed below 0.00001.

Submission:

Labcorp Genetics (formerly Invitae), Labcorp
Classification: Pathogenic for 3-methylcrotonyl-CoA carboxylase 2 deficiency. Last evaluated: 2024-01-26. Review status: criteria provided, single submitter. Criteria: Invitae Variant Classification Sherloc (09022015). Collection method: clinical testing. Allele origin: germline.
Comment: This sequence change affects an acceptor splice site in intron 3 of the MCCC2 gene. It is expected to disrupt RNA splicing. Variants that disrupt the donor or acceptor splice site typically lead to a loss of protein function (PMID: 16199547), and loss-of-function variants in MCCC2 are known to be pathogenic (PMID: 11181649, 22642865). This variant is not present in population databases (gnomAD no frequency). Disruption of this splice site has been observed in individuals with 3MCC deficiency (PMID: 16010683, 22642865). Algorithms developed to predict the effect of sequence changes on RNA splicing suggest that this variant may disrupt the consensus splice site. For these reasons, this variant has been classified as Pathogenic.

Literature cited by the submitters: PubMed 16199547; PubMed 11181649; PubMed 22642865; PubMed 16010683.